The following is an entry in ClinVar:

ClinVar aggregate classification (germline): Uncertain significance (1 of 4 stars; one submission).

Conditions:
Hereditary cancer-predisposing syndrome. Also called: Hereditary Cancer Syndrome; Hereditary neoplastic syndrome; Neoplastic Syndromes, Hereditary; Tumor predisposition. Identifiers: Orphanet 140162, MedGen C0027672, MeSH D009386, MONDO:0015356.

Submission:

Ambry Genetics
Classification: Uncertain significance for Hereditary cancer-predisposing syndrome. Last evaluated: 2021-10-01. Review status: criteria provided, single submitter. Criteria: Ambry Variant Classification Scheme 2023. Collection method: clinical testing. Allele origin: germline.
Comment: The p.E157A variant (also known as c.470A>C), located in coding exon 5 of the RAD51D gene, results from an A to C substitution at nucleotide position 470. The glutamic acid at codon 157 is replaced by alanine, an amino acid with dissimilar properties. This amino acid position is conserved. In addition, the in silico prediction for this alteration is inconclusive. Since supporting evidence is limited at this time, the clinical significance of this alteration remains unclear.

NM_002878.4(RAD51D):c.470A>C (p.Glu157Ala)

Genes: RAD51D (RAD51 paralog D; minus strand), RAD51L3-RFFL (RAD51L3-RFFL readthrough; minus strand). Cytogenetic location: 17q12.
Variant type: single nucleotide variant.
Coding change: c.470A>C on transcript NM_002878.4 (MANE Select); coding-DNA position 470, A replaced by C.
Protein change: p.Glu157Ala; replaces glutamic acid 157 with alanine.
Molecular consequence: missense variant. On other transcripts: non-coding transcript variant (1), intron variant (1).
Genome position (GRCh38, 1-based): chr17:35,106,998, T>G on the plus strand (A>C on the coding strand, the complement: RAD51D is on the minus strand). VCF-style: chr17-35106998-T-G. GRCh37 (hg19) VCF-style: chr17-33434017-T-G.
Other names: c.530A>C, p.Glu177Ala (NM_001142571.2); c.145-517A>C (NM_133629.3); short protein forms E157A, E177A.
Identifiers: ClinVar variation 1742583 (VCV001742583.2), dbSNP rs2142432195, ClinGen allele CA399089163.